The following is an entry in ClinVar:

ClinVar aggregate classification (germline): Likely benign (1 of 4 stars; one submission).

Submission:

GeneDx
Classification: Likely benign. Last evaluated: 2018-03-20. Review status: criteria provided, single submitter. Criteria: GeneDx Variant Classification (06012015). Collection method: clinical testing. Allele origin: germline. Affected: yes.
Comment: This variant is considered likely benign or benign based on one or more of the following criteria: it is a conservative change, it occurs at a poorly conserved position in the protein, it is predicted to be benign by multiple in silico algorithms, and/or has population frequency not consistent with disease.

NM_000169.3(GLA):c.88A>C (p.Arg30=)

Genes: GLA (galactosidase alpha; minus strand), RPL36A-HNRNPH2 (RPL36A-HNRNPH2 readthrough; plus strand). Cytogenetic location: Xq22.1.
Variant type: single nucleotide variant.
Coding change: c.88A>C on transcript NM_000169.3 (MANE Select); coding-DNA position 88, A replaced by C.
Protein change: p.Arg30=; no amino-acid change (arginine 30 retained).
Molecular consequence: synonymous variant. On other transcripts: non-coding transcript variant (3), intron variant (2).
Genome position (GRCh38, 1-based): chrX:101,407,816, T>G on the plus strand (A>C on the coding strand, the complement: GLA is on the minus strand). VCF-style: chrX-101407816-T-G. GRCh37 (hg19) VCF-style: chrX-100662804-T-G.
Other names: c.88A>C, p.Arg30= (NM_001406747.1, NM_001406748.1, NM_001406749.1); c.301-4120T>G (NM_001199973.2); c.178-4120T>G (NM_001199974.2).
Identifiers: ClinVar variation 680496 (VCV000680496.1), dbSNP rs1603047946, ClinGen allele CA517525807.